The following is an entry in ClinVar:

ClinVar aggregate classification (germline): Uncertain significance (1 of 4 stars; one submission).

Submission:

Labcorp Genetics (formerly Invitae), Labcorp
Classification: Uncertain significance. Last evaluated: 2023-06-11. Review status: criteria provided, single submitter. Criteria: Invitae Variant Classification Sherloc (09022015). Collection method: clinical testing. Allele origin: germline.
Comment: In summary, the available evidence is currently insufficient to determine the role of this variant in disease. Therefore, it has been classified as a Variant of Uncertain Significance. Advanced modeling of protein sequence and biophysical properties (such as structural, functional, and spatial information, amino acid conservation, physicochemical variation, residue mobility, and thermodynamic stability) performed at Invitae indicates that this missense variant is expected to disrupt MCM5 protein function. This variant has not been reported in the literature in individuals affected with MCM5-related conditions. This variant is not present in population databases (gnomAD no frequency). This sequence change replaces serine, which is neutral and polar, with leucine, which is neutral and non-polar, at codon 146 of the MCM5 protein (p.Ser146Leu).

NM_006739.4(MCM5):c.437C>T (p.Ser146Leu)

Gene: MCM5 (minichromosome maintenance complex component 5; plus strand). Cytogenetic location: 22q12.3.
Variant type: single nucleotide variant.
Coding change: c.437C>T on transcript NM_006739.4 (MANE Select); coding-DNA position 437, C replaced by T.
Protein change: p.Ser146Leu; replaces serine 146 with leucine.
Molecular consequence: missense variant.
Genome position (GRCh38, 1-based): chr22:35,406,566, C>T. VCF-style: chr22-35406566-C-T. GRCh37 (hg19) VCF-style: chr22-35802559-C-T.
Other names: short protein forms S146L.
Identifiers: ClinVar variation 2747598 (VCV002747598.3), dbSNP rs2517887377, ClinGen allele CA411362009.